The following is an entry in ClinVar:

NM_006790.3(MYOT):c.931G>C (p.Glu311Gln)

Genes: MYOT (myotilin; plus strand), PKD2L2-DT (PKD2L2 divergent transcript; minus strand). Cytogenetic location: 5q31.2.
Variant type: single nucleotide variant.
Coding change: c.931G>C on transcript NM_006790.3 (MANE Select); coding-DNA position 931, G replaced by C.
Protein change: p.Glu311Gln; replaces glutamic acid 311 with glutamine.
Molecular consequence: missense variant.
Genome position (GRCh38, 1-based): chr5:137,883,498, G>C. VCF-style: chr5-137883498-G-C. GRCh37 (hg19) VCF-style: chr5-137219187-G-C.
Other names: c.379G>C, p.Glu127Gln (NM_001135940.2); c.586G>C, p.Glu196Gln (NM_001300911.2); short protein forms E311Q, E196Q, E127Q.
Identifiers: ClinVar variation 2262106 (VCV002262106.4), dbSNP rs1580864198, ClinGen allele CA361055750.

ClinVar aggregate classification (germline): Uncertain significance. Review status: criteria provided, multiple submitters, no conflicts (2 of 4 stars). 2 submissions from 2 submitters: Uncertain significance (2). Last evaluated 2024-12-23.

Conditions:
Myofibrillar myopathy 3 (MFM3). Also called: Autosomal dominant spheroid body myopathy; Muscular dystrophy, proximal, type 1A. Identifiers: Orphanet 266, Orphanet 268129, MedGen C3714934, MONDO:0012215, OMIM 609200.
Inborn genetic diseases. Identifiers: MedGen C0950123, MeSH D030342.

Submissions (2):

Labcorp Genetics (formerly Invitae), Labcorp
Classification: Uncertain significance for Myofibrillar myopathy 3. Last evaluated: 2024-12-23. Review status: criteria provided, single submitter. Criteria: Invitae Variant Classification Sherloc (09022015). Collection method: clinical testing. Allele origin: germline.
Comment: This sequence change replaces glutamic acid, which is acidic and polar, with glutamine, which is neutral and polar, at codon 311 of the MYOT protein (p.Glu311Gln). This variant is not present in population databases (gnomAD no frequency). This variant has not been reported in the literature in individuals affected with MYOT-related conditions. ClinVar contains an entry for this variant (Variation ID: 2262106). Invitae Evidence Modeling of protein sequence and biophysical properties (such as structural, functional, and spatial information, amino acid conservation, physicochemical variation, residue mobility, and thermodynamic stability) indicates that this missense variant is not expected to disrupt MYOT protein function with a negative predictive value of 80%. In summary, the available evidence is currently insufficient to determine the role of this variant in disease. Therefore, it has been classified as a Variant of Uncertain Significance.

Ambry Genetics
Classification: Uncertain significance for Inborn genetic diseases. Last evaluated: 2021-11-22. Review status: criteria provided, single submitter. Criteria: Ambry Variant Classification Scheme 2023. Collection method: clinical testing. Allele origin: germline.